The following is an entry in ClinVar:

NM_001369268.1(ACAN):c.2051G>T (p.Gly684Val)

Gene: ACAN (aggrecan; plus strand). Cytogenetic location: 15q26.1.
Variant type: single nucleotide variant.
Coding change: c.2051G>T on transcript NM_001369268.1 (MANE Select); coding-DNA position 2051, G replaced by T.
Protein change: p.Gly684Val; replaces glycine 684 with valine.
Molecular consequence: missense variant.
Genome position (GRCh38, 1-based): chr15:88,851,818, G>T. VCF-style: chr15-88851818-G-T. GRCh37 (hg19) VCF-style: chr15-89395049-G-T.
Other names: c.2051G>T, p.Gly684Val (NM_001135.4, NM_001411096.1, NM_001411097.1 and 1 more transcripts); short protein forms G684V.
Identifiers: ClinVar variation 2976598 (VCV002976598.3), dbSNP rs1472286074, ClinGen allele CA393713709.
Genomic context (GRCh38, chr15:88,851,818, plus strand): 5'-AGAGGGACTCACTCTGACCACCCACATCTCCTTTAGGCATTTCAGCGGTTCCTTCTCCAG[G>T]AGAAGAAGAGGGTGGCACACCCACATCACCCTCTGGTGTGGAGGAGTGGATCGTGACCCA-3'
Protein context (NP_001356197.1, residues 674-694): FRGISAVPSP[Gly684Val]EEEGGTPTSP

ClinVar aggregate classification (germline): Uncertain significance (1 of 4 stars; one submission).

gnomAD v4.1: 3 of 1,604,152 alleles (0.00019%); highest among the groups gnomAD compares: Non-Finnish European, 0.00026%; no homozygotes.

Submission:

Labcorp Genetics (formerly Invitae), Labcorp
Classification: Uncertain significance. Last evaluated: 2022-12-26. Review status: criteria provided, single submitter. Criteria: Invitae Variant Classification Sherloc (09022015). Collection method: clinical testing. Allele origin: germline.
Comment: This sequence change replaces glycine, which is neutral and non-polar, with valine, which is neutral and non-polar, at codon 684 of the ACAN protein (p.Gly684Val). The frequency data for this variant in the population databases is considered unreliable, as metrics indicate poor data quality at this position in the gnomAD database. This variant has not been reported in the literature in individuals affected with ACAN-related conditions. Advanced modeling of protein sequence and biophysical properties (such as structural, functional, and spatial information, amino acid conservation, physicochemical variation, residue mobility, and thermodynamic stability) performed at Invitae indicates that this missense variant is not expected to disrupt ACAN protein function. In summary, the available evidence is currently insufficient to determine the role of this variant in disease. Therefore, it has been classified as a Variant of Uncertain Significance.